The following is an entry in ClinVar:

NM_001123385.2(BCOR):c.4281A>T (p.Pro1427=)

Gene: BCOR (BCL6 corepressor; minus strand). Cytogenetic location: Xp11.4.
Variant type: single nucleotide variant.
Coding change: c.4281A>T on transcript NM_001123385.2 (MANE Select); coding-DNA position 4281, A replaced by T.
Protein change: p.Pro1427=; no amino-acid change (proline 1427 retained).
Molecular consequence: synonymous variant.
Genome position (GRCh38, 1-based): chrX:40,062,286, T>A on the plus strand (A>T on the coding strand, the complement: BCOR is on the minus strand). VCF-style: chrX-40062286-T-A. GRCh37 (hg19) VCF-style: chrX-39921539-T-A.
Other names: c.4179A>T, p.Pro1393= (NM_001123383.2, NM_017745.6); c.4125A>T, p.Pro1375= (NM_001123384.2).
Identifiers: ClinVar variation 2098973 (VCV002098973.6), dbSNP rs148520586, ClinGen allele CA10386470.

ClinVar aggregate classification (germline): Benign. Review status: criteria provided, single submitter (1 of 4 stars). 2 submissions from 2 submitters: Benign (1). 1 of the submissions does not count toward it. Last evaluated 2023-07-19.

Conditions:
BCOR-related disorder. Also called: BCOR-related condition; BCOR-related disorders.
Oculofaciocardiodental syndrome (MCOPS2). Identifiers: Orphanet 2712, MedGen C1846265, MONDO:0010261, OMIM 300166.

Allele frequency attached by ClinVar (database versions not stated): ExAC 0.00004; gnomAD 0.00013; TOPMed 0.00014; ESP Exome Variant Server 0.00019; 1000 Genomes Project 30x 0.00042; 1000 Genomes Project 0.00053.
gnomAD v4.1: 24 of 1,208,540 alleles (0.002%); highest among the groups gnomAD compares: African/African-American, 0.04%; no homozygotes.

Submissions (2):

Labcorp Genetics (formerly Invitae), Labcorp
Classification: Benign for Oculofaciocardiodental syndrome. Last evaluated: 2023-07-19. Review status: criteria provided, single submitter. Criteria: Invitae Variant Classification Sherloc (09022015). Collection method: clinical testing. Allele origin: germline.

PreventionGenetics, part of Exact Sciences
Classification: Likely benign for BCOR-related condition. Last evaluated: 2023-09-19. Review status: no assertion criteria provided. Collection method: clinical testing. Allele origin: germline. Not counted in ClinVar's aggregate classification.
Comment: This variant is classified as likely benign based on ACMG/AMP sequence variant interpretation guidelines (Richards et al. 2015 PMID: 25741868, with internal and published modifications).